The following is an entry in ClinVar:

ClinVar aggregate classification (germline): Uncertain significance. Review status: reviewed by expert panel (3 of 4 stars). 3 submissions from 3 submitters: Uncertain significance (1). 2 of the submissions do not count toward it. Last evaluated 2024-10-08.

Conditions:
Arginine:glycine amidinotransferase deficiency (CCDS3). Also called: AGAT deficiency; Creatine deficiency syndrome due to AGAT deficiency; GATM deficiency; Cerebral creatine deficiency syndrome 3; L-Arginine:Glycine Amidinotransferase Deficiency; L-Arginine:Glycine Amidinotransferase (AGAT) Deficiency. Identifiers: Orphanet 35704, MedGen C2675179, MONDO:0012996, OMIM 612718.

Allele frequency attached by ClinVar (database versions not stated): TOPMed below 0.00001.
gnomAD v4.1: 2 of 1,613,682 alleles (0.00012%); highest among the groups gnomAD compares: Non-Finnish European, 0.000085%; no homozygotes.

Submissions (3):

ClinGen Cerebral Creatine Deficiency Syndromes Variant Curation Expert Panel, ClinGen
Classification: Uncertain significance for Arginine:glycine amidinotransferase deficiency. Last evaluated: 2024-10-08. Review status: reviewed by expert panel. Criteria: ClinGen_CCDS_ACMG_Specifications_GATM_v1.1. Collection method: curation. Allele origin: germline. Inheritance: Autosomal recessive inheritance.
Comment: The NM_001482.3:c.675+3G>C variant in GATM is an intronic variant affecting a nucleotide within the consensus splice site of intron 4. To our knowledge, this variant has not been reported in the literature and results of functional studies are unavailable. This variant is absent in gnomAD v2.1.1 (PM2_Supporting). The computational splicing predictor SpliceAI gives a score of 0.0 for donor loss suggesting that the variant has no impact on splicing (BP4). There is a ClinVar entry for this variant (Variation ID: 387822). In summary, this variant meets the criteria to be classified as a variant of uncertain significance for AGAT deficiency based on the ACMG/AMP criteria applied, as specified by the ClinGen Cerebral Creatine Deficiency Syndromes Variant Curation Expert Panel (Specifications Version 1.1.0): PM2_Supporting, BP4. (Classification approved by the ClinGen Cerebral Creatine Deficiency Syndromes Variant Curation Expert Panel on October 8th, 2024).

Labcorp Genetics (formerly Invitae), Labcorp
Classification: Uncertain significance for Arginine:glycine amidinotransferase deficiency. Last evaluated: 2020-09-23. Review status: criteria provided, single submitter. Criteria: Invitae Variant Classification Sherloc (09022015). Collection method: clinical testing. Allele origin: germline. Not counted in ClinVar's aggregate classification.
Comment: This sequence change falls in intron 4 of the GATM gene. It does not directly change the encoded amino acid sequence of the GATM protein, but it affects a nucleotide within the consensus splice site of the intron. This variant is not present in population databases (ExAC no frequency). In summary, the available evidence is currently insufficient to determine the role of this variant in disease. Therefore, it has been classified as a Variant of Uncertain Significance. Nucleotide substitutions within the consensus splice site are a relatively common cause of aberrant splicing (PMID: 17576681, 9536098). Algorithms developed to predict the effect of sequence changes on RNA splicing suggest that this variant may disrupt the consensus splice site, but this prediction has not been confirmed by published transcriptional studies. This variant has not been reported in the literature in individuals with GATM-related conditions. ClinVar contains an entry for this variant (Variation ID: 387822).

GeneDx
Classification: Likely benign. Last evaluated: 2016-07-18. Review status: criteria provided, single submitter. Criteria: GeneDx Variant Classification (06012015). Collection method: clinical testing. Allele origin: germline. Affected: yes. Not counted in ClinVar's aggregate classification.
Comment: This variant is considered likely benign or benign based on one or more of the following criteria: it is a conservative change, it occurs at a poorly conserved position in the protein, it is predicted to be benign by multiple in silico algorithms, and/or has population frequency not consistent with disease.

Literature cited by the submitters: PubMed 17576681 (cited by Labcorp Genetics (formerly Invitae), Labcorp); PubMed 9536098 (cited by Labcorp Genetics (formerly Invitae), Labcorp).

NM_001482.3(GATM):c.675+3G>C

Gene: GATM (glycine amidinotransferase; minus strand). Cytogenetic location: 15q21.1.
Variant type: single nucleotide variant.
Coding change: c.675+3G>C on transcript NM_001482.3 (MANE Select); 3 bases into the intron after coding-DNA position 675, G replaced by C.
Molecular consequence: intron variant.
Genome position (GRCh38, 1-based): chr15:45,368,067, C>G on the plus strand (G>C on the coding strand, the complement: GATM is on the minus strand). VCF-style: chr15-45368067-C-G. GRCh37 (hg19) VCF-style: chr15-45660265-C-G.
Other names: c.288+3G>C (NM_001321015.2).
Identifiers: ClinVar variation 387822 (VCV000387822.8), dbSNP rs1049378713, ClinGen allele CA16607078.
Genomic context (GRCh38, chr15:45,368,067, plus strand): 5'-TCTTACTCTTTGTGGATCATTTAGAAAAGTTAGTAATAAGCTAGCCTATAATTAGGGACT[C>G]ACCTGGTTATAAAGCTCATCAGCCATTGTGGGCTTAGGAGCTGTTGTCCACTTGGCGCCA-3'